The following is an entry in ClinVar:

ClinVar aggregate classification (germline): Uncertain significance. Review status: criteria provided, multiple submitters, no conflicts (2 of 4 stars). 4 submissions from 4 submitters: Uncertain significance (4). Last evaluated 2026-03-22.

Conditions:
Familial thoracic aortic aneurysm and aortic dissection (TAAD). Also called: Thoracic aortic aneurysms and dissections. Identifiers: Orphanet 91387, MedGen C4707243, MONDO:0019625.
FG syndrome (FGS). Identifiers: MedGen C0220769, MONDO:0002010.
FG syndrome 1 (OKS). Also called: FG Syndrome Type 1 (FGS1); OPITZ-KAVEGGIA SYNDROME; KELLER SYNDROME; MENTAL RETARDATION, LARGE HEAD, IMPERFORATE ANUS, CONGENITAL HYPOTONIA, AND PARTIAL AGENESIS OF CORPUS CALLOSUM. Identifiers: Orphanet 93932, MedGen C5399762, MONDO:0010590, OMIM 305450.

Allele frequency attached by ClinVar (database versions not stated): TOPMed below 0.00001.

Submissions (4):

Ambry Genetics
Classification: Uncertain significance for Familial thoracic aortic aneurysm and aortic dissection. Last evaluated: 2026-03-22. Review status: criteria provided, single submitter. Criteria: Ambry Variant Classification Scheme 2023. Collection method: clinical testing. Allele origin: germline.

GeneDx
Classification: Uncertain significance. Last evaluated: 2024-12-07. Review status: criteria provided, single submitter. Criteria: GeneDx Variant Classification Process June 2021. Collection method: clinical testing. Allele origin: germline. Affected: yes.
Comment: Not observed at significant frequency in large population cohorts (gnomAD); In silico analysis indicates that this missense variant does not alter protein structure/function; This variant is associated with the following publications: (PMID: 39215511)

Daryl Scott Lab, Baylor College of Medicine
Classification: Uncertain significance for FG syndrome 1. Last evaluated: 2024-04-26. Review status: criteria provided, single submitter. Criteria: ACMG Guidelines, 2015. Collection method: clinical testing. Allele origin: maternal. Affected: yes. Observed: 1 heterozygote.

Labcorp Genetics (formerly Invitae), Labcorp
Classification: Uncertain significance for FG syndrome. Last evaluated: 2023-03-06. Review status: criteria provided, single submitter. Criteria: Invitae Variant Classification Sherloc (09022015). Collection method: clinical testing. Allele origin: germline.
Comment: This sequence change replaces lysine, which is basic and polar, with arginine, which is basic and polar, at codon 1610 of the MED12 protein (p.Lys1610Arg). This variant is not present in population databases (gnomAD no frequency). This variant has not been reported in the literature in individuals affected with MED12-related conditions. Advanced modeling of protein sequence and biophysical properties (such as structural, functional, and spatial information, amino acid conservation, physicochemical variation, residue mobility, and thermodynamic stability) performed at Invitae indicates that this missense variant is not expected to disrupt MED12 protein function. In summary, the available evidence is currently insufficient to determine the role of this variant in disease. Therefore, it has been classified as a Variant of Uncertain Significance.

Literature cited by the submitters: PubMed 39215511 (cited by Ambry Genetics).

NM_005120.3(MED12):c.4829A>G (p.Lys1610Arg)

Gene: MED12 (mediator complex subunit 12; plus strand). Cytogenetic location: Xq13.1.
Variant type: single nucleotide variant.
Coding change: c.4829A>G on transcript NM_005120.3 (MANE Select); coding-DNA position 4829, A replaced by G.
Protein change: p.Lys1610Arg; replaces lysine 1610 with arginine.
Molecular consequence: missense variant.
Genome position (GRCh38, 1-based): chrX:71,134,814, A>G. VCF-style: chrX-71134814-A-G. GRCh37 (hg19) VCF-style: chrX-70354664-A-G.
Other names: c.4829A>G (NM_005120.2); short protein forms K1610R.
Identifiers: ClinVar variation 2887229 (VCV002887229.7), dbSNP rs2092328003, ClinGen allele CA413532622.